The following is an entry in ClinVar:

ClinVar aggregate classification (germline): Likely benign. Review status: criteria provided, single submitter (1 of 4 stars). 2 submissions from 2 submitters: Likely benign (1). 1 of the submissions does not count toward it. Last evaluated 2025-11-09.

Conditions:
KMT2D-related disorder. Also called: KMT2D-Related Disorders.
Kabuki syndrome. Also called: Kabuki make-up syndrome; NIIKAWA-KUROKI SYNDROME. Identifiers: Orphanet 2322, MedGen C0796004, MONDO:0016512.

Allele frequency attached by ClinVar (database versions not stated): TOPMed below 0.00001; ExAC 0.00005.
gnomAD v4.1: 18 of 1,613,426 alleles (0.0011%); highest among the groups gnomAD compares: African/African-American, 0.0067%; no homozygotes.

Submissions (2):

Labcorp Genetics (formerly Invitae), Labcorp
Classification: Likely benign for Kabuki syndrome. Last evaluated: 2025-11-09. Review status: criteria provided, single submitter. Criteria: Invitae Variant Classification Sherloc (09022015). Collection method: clinical testing. Allele origin: germline.

PreventionGenetics, part of Exact Sciences
Classification: Likely benign for KMT2D-related condition. Last evaluated: 2021-12-21. Review status: no assertion criteria provided. Collection method: clinical testing. Allele origin: germline. Not counted in ClinVar's aggregate classification.
Comment: This variant is classified as likely benign based on ACMG/AMP sequence variant interpretation guidelines (Richards et al. 2015 PMID: 25741868, with internal and published modifications).

NM_003482.4(KMT2D):c.3468C>T (p.Asp1156=)

Genes: KMT2D (lysine methyltransferase 2D; minus strand), LOC126861520 (CDK7 strongly-dependent group 2 enhancer GRCh37_chr12:49442744-49443943; plus strand). Cytogenetic location: 12q13.12.
Variant type: single nucleotide variant.
Coding change: c.3468C>T on transcript NM_003482.4 (MANE Select); coding-DNA position 3468, C replaced by T.
Protein change: p.Asp1156=; no amino-acid change (aspartic acid 1156 retained).
Molecular consequence: synonymous variant.
Genome position (GRCh38, 1-based): chr12:49,050,120, G>A on the plus strand (C>T on the coding strand, the complement: KMT2D is on the minus strand). VCF-style: chr12-49050120-G-A. GRCh37 (hg19) VCF-style: chr12-49443903-G-A.
Identifiers: ClinVar variation 2197896 (VCV002197896.6), dbSNP rs557287690, ClinGen allele CA6548045.